The following is an entry in ClinVar:

NM_000936.4(PNLIP):c.131T>G (p.Leu44Trp)

Gene: PNLIP (pancreatic lipase; plus strand). Cytogenetic location: 10q25.3.
Variant type: single nucleotide variant.
Coding change: c.131T>G on transcript NM_000936.4 (MANE Select); coding-DNA position 131, T replaced by G.
Protein change: p.Leu44Trp; replaces leucine 44 with tryptophan.
Molecular consequence: missense variant.
Genome position (GRCh38, 1-based): chr10:116,547,378, T>G. VCF-style: chr10-116547378-T-G. GRCh37 (hg19) VCF-style: chr10-118306890-T-G.
Other names: c.131T>G (NM_000936.2); short protein forms L44W.
Identifiers: ClinVar variation 2177001 (VCV002177001.5), dbSNP rs144699284, ClinGen allele CA5706354.

ClinVar aggregate classification (germline): Uncertain significance. Review status: criteria provided, multiple submitters, no conflicts (2 of 4 stars). 2 submissions from 2 submitters: Uncertain significance (2). Last evaluated 2025-10-25.

Allele frequency attached by ClinVar (database versions not stated): TOPMed 0.00005; ExAC 0.00008; ESP Exome Variant Server 0.00008; gnomAD 0.00005; gnomAD exomes 0.00009.
gnomAD v4.1: 141 of 1,613,952 alleles (0.0087%); highest among the groups gnomAD compares: Non-Finnish European, 0.012%; no homozygotes.

Submissions (2):

Ambry Genetics
Classification: Uncertain significance. Last evaluated: 2025-10-25. Review status: criteria provided, single submitter. Criteria: Ambry Variant Classification Scheme 2023. Collection method: clinical testing. Allele origin: germline.

Labcorp Genetics (formerly Invitae), Labcorp
Classification: Uncertain significance. Last evaluated: 2023-06-30. Review status: criteria provided, single submitter. Criteria: Invitae Variant Classification Sherloc (09022015). Collection method: clinical testing. Allele origin: germline.
Comment: In summary, the available evidence is currently insufficient to determine the role of this variant in disease. Therefore, it has been classified as a Variant of Uncertain Significance. An algorithm developed to predict the effect of missense changes on protein structure and function (PolyPhen-2) suggests that this variant is likely to be disruptive. This variant has not been reported in the literature in individuals affected with PNLIP-related conditions. This variant is present in population databases (rs144699284, gnomAD 0.01%). This sequence change replaces leucine, which is neutral and non-polar, with tryptophan, which is neutral and slightly polar, at codon 44 of the PNLIP protein (p.Leu44Trp).